The following is an entry in ClinVar:

NM_000124.4(ERCC6):c.4196T>A (p.Leu1399Gln)

Gene: ERCC6 (ERCC excision repair 6, chromatin remodeling factor; minus strand). Cytogenetic location: 10q11.23.
Variant type: single nucleotide variant.
Coding change: c.4196T>A on transcript NM_000124.4 (MANE Select); coding-DNA position 4196, T replaced by A.
Protein change: p.Leu1399Gln; replaces leucine 1399 with glutamine.
Molecular consequence: missense variant.
Genome position (GRCh38, 1-based): chr10:49,459,101, A>T on the plus strand (T>A on the coding strand, the complement: ERCC6 is on the minus strand). VCF-style: chr10-49459101-A-T. GRCh37 (hg19) VCF-style: chr10-50667147-A-T.
Other names: c.4196T>A, p.Leu1399Gln (NM_001346440.2); short protein forms L1399Q.
Identifiers: ClinVar variation 2095455 (VCV002095455.4), dbSNP rs2495943379, ClinGen allele CA376704016.
Genomic context (GRCh38, chr10:49,459,101, plus strand): 5'-AGCAGGGCAGAAGCTTCCTGCAGGTGCCCGCTTTCACTTTCTAAACGCTCTGGCAGAATC[A>T]GGTGGTTTCTAGCTCTCATTTTAGCCAAGAGTGAGGAGGAAGCGAGGGGCCCGGATGAAG-3'
Protein context (NP_000115.1, residues 1389-1409): LLAKMRARNH[Leu1399Gln]ILPERLESES

ClinVar aggregate classification (germline): Uncertain significance (1 of 4 stars; one submission).

Submission:

Labcorp Genetics (formerly Invitae), Labcorp
Classification: Uncertain significance. Last evaluated: 2022-11-01. Review status: criteria provided, single submitter. Criteria: Invitae Variant Classification Sherloc (09022015). Collection method: clinical testing. Allele origin: germline.
Comment: This variant is not present in population databases (gnomAD no frequency). In summary, the available evidence is currently insufficient to determine the role of this variant in disease. Therefore, it has been classified as a Variant of Uncertain Significance. Algorithms developed to predict the effect of missense changes on protein structure and function (SIFT, PolyPhen-2, Align-GVGD) all suggest that this variant is likely to be disruptive. This variant has not been reported in the literature in individuals affected with ERCC6-related conditions. This sequence change replaces leucine, which is neutral and non-polar, with glutamine, which is neutral and polar, at codon 1399 of the ERCC6 protein (p.Leu1399Gln).